The following is an entry in ClinVar:

ClinVar aggregate classification (germline): Uncertain significance (1 of 4 stars; one submission).

Conditions:
Familial adenomatous polyposis 1 (FAP1). Also called: FAMILIAL ADENOMATOUS POLYPOSIS 1, ATTENUATED; POLYPOSIS, ADENOMATOUS INTESTINAL. Identifiers: MedGen C2713442, MONDO:0021056, OMIM 175100. Disease mechanism: loss of function.

Submission:

Labcorp Genetics (formerly Invitae), Labcorp
Classification: Uncertain significance for Familial adenomatous polyposis 1. Last evaluated: 2024-10-28. Review status: criteria provided, single submitter. Criteria: Invitae Variant Classification Sherloc (09022015). Collection method: clinical testing. Allele origin: germline.
Comment: This sequence change replaces serine, which is neutral and polar, with threonine, which is neutral and polar, at codon 843 of the APC protein (p.Ser843Thr). This variant is not present in population databases (gnomAD no frequency). This variant has not been reported in the literature in individuals affected with APC-related conditions. Invitae Evidence Modeling of protein sequence and biophysical properties (such as structural, functional, and spatial information, amino acid conservation, physicochemical variation, residue mobility, and thermodynamic stability) indicates that this missense variant is not expected to disrupt APC protein function with a negative predictive value of 95%. In summary, the available evidence is currently insufficient to determine the role of this variant in disease. Therefore, it has been classified as a Variant of Uncertain Significance.

NM_000038.6(APC):c.2528G>C (p.Ser843Thr)

Gene: APC (APC regulator of Wnt signaling pathway; plus strand). Cytogenetic location: 5q22.2.
Variant type: single nucleotide variant.
Coding change: c.2528G>C on transcript NM_000038.6 (MANE Select); coding-DNA position 2528, G replaced by C.
Protein change: p.Ser843Thr; replaces serine 843 with threonine.
Molecular consequence: missense variant. On other transcripts: non-coding transcript variant (2).
Genome position (GRCh38, 1-based): chr5:112,838,122, G>C. VCF-style: chr5-112838122-G-C. GRCh37 (hg19) VCF-style: chr5-112173819-G-C.
Other names: c.2528G>C, p.Ser843Thr (NM_001127510.3, NM_001354895.2, NM_001407450.1); c.2474G>C, p.Ser825Thr (NM_001127511.3); c.2582G>C, p.Ser861Thr (NM_001354896.2, NM_001407447.1, NM_001407448.1 and 1 more transcripts); c.2558G>C, p.Ser853Thr (NM_001354897.2); c.2453G>C, p.Ser818Thr (NM_001354898.2); c.2444G>C, p.Ser815Thr (NM_001354899.2); c.2405G>C, p.Ser802Thr (NM_001354900.2); c.2351G>C, p.Ser784Thr (NM_001354901.2, NM_001407453.1); and 11 more; short protein forms S833T, S836T, S843T, S853T, S714T, S752T, S784T, S871T.
Identifiers: ClinVar variation 2887724 (VCV002887724.3), dbSNP rs1765204069, ClinGen allele CA16026871.